The following is an entry in ClinVar:

ClinVar aggregate classification (germline): Likely benign (1 of 4 stars; one submission).

gnomAD v4.1: 2 of 1,551,276 alleles (0.00013%); highest among the groups gnomAD compares: South Asian, 0.0024%; no homozygotes.

Submission:

CeGaT Center for Human Genetics Tuebingen
Classification: Likely benign. Last evaluated: 2026-02-01. Review status: criteria provided, single submitter. Criteria: CeGaT Center For Human Genetics Tuebingen Variant Classification Criteria Version 2. Collection method: clinical testing. Allele origin: germline. Affected: yes. Observed: 1 variant allele.
Comment: PIEZO1: BP4, BP7

NM_001142864.4(PIEZO1):c.6588G>A (p.Leu2196=)

Gene: PIEZO1 (piezo type mechanosensitive ion channel component 1 (Er blood group); minus strand). Cytogenetic location: 16q24.3.
Variant type: single nucleotide variant.
Coding change: c.6588G>A on transcript NM_001142864.4 (MANE Select); coding-DNA position 6588, G replaced by A.
Protein change: p.Leu2196=; no amino-acid change (leucine 2196 retained).
Molecular consequence: synonymous variant.
Genome position (GRCh38, 1-based): chr16:88,717,095, C>T on the plus strand (G>A on the coding strand, the complement: PIEZO1 is on the minus strand). VCF-style: chr16-88717095-C-T. GRCh37 (hg19) VCF-style: chr16-88783503-C-T.
Identifiers: ClinVar variation 4820848 (VCV004820848.4).